The following is an entry in ClinVar:

ClinVar aggregate classification (germline): Uncertain significance (1 of 4 stars; one submission).

Conditions:
Hyperkalemic periodic paralysis. Also called: Familial hyperkalemic periodic paralysis; Gamstorp disease. Identifiers: Orphanet 682, MedGen C0238357, MONDO:0008224, OMIM 170500, HP:0007215.

Submission:

Labcorp Genetics (formerly Invitae), Labcorp
Classification: Uncertain significance for Hyperkalemic periodic paralysis. Last evaluated: 2023-05-23. Review status: criteria provided, single submitter. Criteria: Invitae Variant Classification Sherloc (09022015). Collection method: clinical testing. Allele origin: germline.
Comment: This variant is not present in population databases (gnomAD no frequency). This sequence change replaces isoleucine, which is neutral and non-polar, with threonine, which is neutral and polar, at codon 1169 of the SCN4A protein (p.Ile1169Thr). This variant has not been reported in the literature in individuals affected with SCN4A-related conditions. ClinVar contains an entry for this variant (Variation ID: 2101949). Advanced modeling of protein sequence and biophysical properties (such as structural, functional, and spatial information, amino acid conservation, physicochemical variation, residue mobility, and thermodynamic stability) has been performed at Invitae for this missense variant, however the output from this modeling did not meet the statistical confidence thresholds required to predict the impact of this variant on SCN4A protein function. In summary, the available evidence is currently insufficient to determine the role of this variant in disease. Therefore, it has been classified as a Variant of Uncertain Significance.

NM_000334.4(SCN4A):c.3506T>C (p.Ile1169Thr)

Genes: GH-LCR (growth hormone locus control region; plus strand), SCN4A (sodium voltage-gated channel alpha subunit 4; minus strand). Cytogenetic location: 17q23.3.
Variant type: single nucleotide variant.
Coding change: c.3506T>C on transcript NM_000334.4 (MANE Select); coding-DNA position 3506, T replaced by C.
Protein change: p.Ile1169Thr; replaces isoleucine 1169 with threonine.
Molecular consequence: missense variant.
Genome position (GRCh38, 1-based): chr17:63,945,574, A>G on the plus strand (T>C on the coding strand, the complement: SCN4A is on the minus strand). VCF-style: chr17-63945574-A-G. GRCh37 (hg19) VCF-style: chr17-62022934-A-G.
Other names: short protein forms I1169T.
Identifiers: ClinVar variation 2101949 (VCV002101949.4), dbSNP rs2509290957, ClinGen allele CA400618458.